The following is an entry in ClinVar:

ClinVar aggregate classification (germline): Uncertain significance (1 of 4 stars; one submission).

Conditions:
CUBN-related disorder. Also called: CUBN-related condition.

Submission:

3billion
Classification: Uncertain significance for CUBN-related disorder. Last evaluated: 2025-06-20. Review status: criteria provided, single submitter. Criteria: ACMG Guidelines, 2015. Collection method: clinical testing. Allele origin: germline. Affected: yes.
Comment: The variant is not observed in the gnomAD v4.1.0 dataset. Predicted Consequence/Location: Missense variant. The majority of the known disease-causing variants of this gene are variants expected to result in premature termination of the protein. Damaging effect on gene or gene product predicted by in silico programs is uncertain [REVEL: 0.48 (damaging >=0.6, benign <0.4), 3Cnet: 0.15 (damaging >0.75, benign <0.1)]. Therefore, this variant is classified as VUS according to the recommendation of ACMG/AMP guideline.

NM_001081.4(CUBN):c.5693A>T (p.Asp1898Val)

Gene: CUBN (cubilin; minus strand). Cytogenetic location: 10p13.
Variant type: single nucleotide variant.
Coding change: c.5693A>T on transcript NM_001081.4 (MANE Select); coding-DNA position 5693, A replaced by T.
Protein change: p.Asp1898Val; replaces aspartic acid 1898 with valine.
Molecular consequence: missense variant.
Genome position (GRCh38, 1-based): chr10:16,939,003, T>A on the plus strand (A>T on the coding strand, the complement: CUBN is on the minus strand). VCF-style: chr10-16939003-T-A. GRCh37 (hg19) VCF-style: chr10-16981002-T-A.
Other names: short protein forms D1898V.
Identifiers: ClinVar variation 4854128 (VCV004854128.1).